The following is an entry in ClinVar:

ClinVar aggregate classification (germline): Pathogenic/Likely pathogenic. Review status: criteria provided, multiple submitters, no conflicts (2 of 4 stars). 12 submissions from 12 submitters: Pathogenic (9); Likely pathogenic (1). 2 of the submissions do not count toward it. Last evaluated 2026-08-31.

Conditions:
EYS-related disorder. Also called: EYS-related condition.
Retinal dystrophy. Also called: Inherited retinal dystrophy. Identifiers: Orphanet 71862, MedGen C0854723, MeSH D058499, MONDO:0019118, HP:0000556.
Retinitis pigmentosa (RP). Identifiers: Orphanet 791, MedGen C0035334, MeSH D012174, MONDO:0019200, OMIM 268000. Inheritance: Autosomal dominant, autosomal recessive and X linked inheritance.
Retinitis pigmentosa 25 (RP25). Identifiers: Orphanet 791, MedGen C1864446, MONDO:0011272, OMIM 602772.

Allele frequency attached by ClinVar (database versions not stated): TOPMed 0.00003; gnomAD exomes 0.00004; 1000 Genomes Project 30x 0.00016.
gnomAD v4.1: 23 of 1,532,154 alleles (0.0015%); highest among the groups gnomAD compares: East Asian, 0.054%; no homozygotes.

Submissions (12):

PreventionGenetics, part of Exact Sciences
Classification: Pathogenic for EYS-related condition. Last evaluated: 2026-08-31. Review status: criteria provided, single submitter. Criteria: ACMG Guidelines, 2015. Collection method: clinical testing. Allele origin: germline.
Comment: The EYS c.6557G>A variant is predicted to result in the amino acid substitution p.Gly2186Glu. This variant has been reported many times as causative for autosomal recessive retinitis pigmentosa when in combination with a second pathogenic variant (see for example: Littink et al. 2010. PubMed ID: 20537394; Huang et al. 2014. PubMed ID: 25356976; Gu et al. 2016. PubMed ID: 27375351; Table S1, Maeda et al. 2018. PubMed ID: 29785639). This variant has been classified as pathogenic by multiple independent submitters to the ClinVar database (ClinVar ID: 143108). This variant is interpreted as pathogenic.

Medical and Scientific Branch, Hong Kong Genome Institute
Classification: Likely pathogenic for Retinitis pigmentosa 25. Last evaluated: 2026-01-26. Review status: criteria provided, single submitter. Criteria: ACMG Guidelines, 2015. Collection method: clinical testing. Allele origin: unknown. Affected: yes.

Ophthalmology, Kobe City Eye Hospital
Classification: Pathogenic for Retinitis pigmentosa 25. Last evaluated: 2025-11-28. Review status: criteria provided, single submitter. Criteria: Fujinami et al. (Jpn J Ophthalmol. 2024). Collection method: research. Allele origin: germline. Affected: yes. Observed: 4 variant alleles.
Comment: This variant was classified according to the ACMG/AMP guidelines. PM2_Moderate: This variant is absent or extremely rare in large population databases such as gnomAD, consistent with a recessive disease mechanism. PM3_VeryStrong: This variant has been observed in confirmed trans configuration with a pathogenic EYS variant in an affected individual from our cohort, meeting the ClinGen criteria for upgrading PM3 to Very Strong. PP1_Supporting: The variant shows cosegregation with disease in multiple affected family members, providing supporting evidence for pathogenicity. Based on PM2_Moderate, PM3_VeryStrong, and PP1_Supporting, this variant is classified as pathogenic.

Labcorp Genetics (formerly Invitae), Labcorp
Classification: Pathogenic. Last evaluated: 2025-08-11. Review status: criteria provided, single submitter. Criteria: Invitae Variant Classification Sherloc (09022015). Collection method: clinical testing. Allele origin: germline.
Comment: This sequence change replaces glycine, which is neutral and non-polar, with glutamic acid, which is acidic and polar, at codon 2186 of the EYS protein (p.Gly2186Glu). This variant is present in population databases (rs527236068, gnomAD 0.05%). This missense change has been observed in individual(s) with inherited retinal dystrophy (PMID: 20237254, 20537394, 25356976, 27375351, 29625443, 29785639). In at least one individual the data is consistent with being in trans (on the opposite chromosome) from a pathogenic variant. It has also been observed to segregate with disease in related individuals. ClinVar contains an entry for this variant (Variation ID: 143108). Invitae Evidence Modeling of protein sequence and biophysical properties (such as structural, functional, and spatial information, amino acid conservation, physicochemical variation, residue mobility, and thermodynamic stability) has been performed for this missense variant. However, the output from this modeling did not meet the statistical confidence thresholds required to predict the impact of this variant on EYS protein function. For these reasons, this variant has been classified as Pathogenic.

Laboratorio de Genetica e Diagnostico Molecular, Hospital Israelita Albert Einstein
Classification: Pathogenic for Retinitis pigmentosa 25. Last evaluated: 2025-04-04. Review status: criteria provided, single submitter. Criteria: ACMG Guidelines, 2015. Collection method: clinical testing. Allele origin: germline. Affected: yes.
Comment: ACMG classification criteria: PM2 supporting, PM3 strong, PP1 strong

Baylor Genetics
Classification: Pathogenic for Retinitis pigmentosa 25. Last evaluated: 2024-03-12. Review status: criteria provided, single submitter. Criteria: ACMG Guidelines, 2015. Collection method: clinical testing. Allele origin: unknown.

3billion
Classification: Pathogenic for Retinitis pigmentosa 25. Last evaluated: 2023-11-02. Review status: criteria provided, single submitter. Criteria: ACMG Guidelines, 2015. Collection method: clinical testing. Allele origin: germline. Affected: yes.
Comment: The variant is observed at an extremely low frequency in the gnomAD v2.1.1 dataset (total allele frequency: 0.004%). Predicted Consequence/Location: The majority of the known disease-causing variants of this gene are variants expected to result in premature termination of the protein. Premature termination of the protein is a common disease-causing mechanism for this gene. Same nucleotide change resulting in same amino acid change has been previously reported as pathogenic/likely pathogenic with strong evidence (ClinVar ID: VCV000143108 /PMID: 20537394 /3billion dataset). The variant has been reported to be in trans with a pathogenic variant as either compound heterozygous or homozygous in at least 2 similarly affected unrelated individuals (PMID: 25356976, 29625443, 29785639). Therefore, this variant is classified as Pathogenic according to the recommendation of ACMG/AMP guideline.

Dept Of Ophthalmology, Nagoya University
Classification: Pathogenic for Retinal dystrophy. Last evaluated: 2023-10-01. Review status: criteria provided, single submitter. Criteria: Submitter's publication. Collection method: research. Allele origin: germline. Affected: yes.

Blueprint Genetics
Classification: Pathogenic for EYS-related disorders. Last evaluated: 2022-10-29. Review status: criteria provided, single submitter. Criteria: ACMG Guidelines, 2015. Collection method: clinical testing. Allele origin: germline. Affected: yes. Observed: 5 variant alleles.

Juno Genomics, Hangzhou Juno Genomics, Inc
Classification: Pathogenic for Retinitis pigmentosa 25. Review status: criteria provided, single submitter. Criteria: ACMG Guidelines, 2015. Collection method: clinical testing. Allele origin: germline. Affected: yes.
Comment: Absent from controls (or at extremely low frequency if recessive) in Genome Aggregation Database, Exome Sequencing Project, 1000 Genomes Project, or Exome Aggregation Consortium.;For recessive disorders, detected in trans with a pathogenic variant.;Patient's phenotype or family history is highly specific for a disease with a single genetic etiology.;Co-segregation with disease in multiple affected family members in a gene definitively known to cause the disease.

Natera, Inc.
Classification: Pathogenic for Retinitis pigmentosa type 25. Last evaluated: 2020-08-27. Review status: no assertion criteria provided. Collection method: clinical testing. Allele origin: germline. Not counted in ClinVar's aggregate classification.

Department of Ophthalmology and Visual Sciences Kyoto University
Classification: Pathogenic for Retinitis pigmentosa. Review status: no assertion criteria provided. Collection method: not provided. Allele origin: unknown. Not counted in ClinVar's aggregate classification.
ClinVar note: Converted during submission from pathogenic to Pathogenic.

Literature cited by the submitters: PubMed 20237254 (cited by Labcorp Genetics (formerly Invitae), Labcorp); PubMed 20537394 (cited by Labcorp Genetics (formerly Invitae), Labcorp and 3billion); PubMed 25356976 (cited by Labcorp Genetics (formerly Invitae), Labcorp and 3billion); PubMed 27375351 (cited by Labcorp Genetics (formerly Invitae), Labcorp); PubMed 29625443 (cited by Labcorp Genetics (formerly Invitae), Labcorp and 3billion); PubMed 29785639 (cited by Labcorp Genetics (formerly Invitae), Labcorp and 3billion).

NM_001142800.2(EYS):c.6557G>A (p.Gly2186Glu)

Gene: EYS (EGF-like photoreceptor maintenance factor; minus strand). Cytogenetic location: 6q12.
Variant type: single nucleotide variant.
Coding change: c.6557G>A on transcript NM_001142800.2 (MANE Select); coding-DNA position 6557, G replaced by A.
Protein change: p.Gly2186Glu; replaces glycine 2186 with glutamic acid.
Molecular consequence: missense variant.
Genome position (GRCh38, 1-based): chr6:64,081,870, C>T on the plus strand (G>A on the coding strand, the complement: EYS is on the minus strand). VCF-style: chr6-64081870-C-T. GRCh37 (hg19) VCF-style: chr6-64791763-C-T.
Other names: c.6557G>A, p.Gly2186Glu (NM_001292009.2); short protein forms G2186E.
Identifiers: ClinVar variation 143108 (VCV000143108.21), dbSNP rs527236068, ClinGen allele CA270059.